The following is an entry in ClinVar:

ClinVar aggregate classification (germline): Pathogenic (1 of 4 stars; one submission).

Submission:

Labcorp Genetics (formerly Invitae), Labcorp
Classification: Pathogenic. Last evaluated: 2025-09-10. Review status: criteria provided, single submitter. Criteria: Invitae Variant Classification Sherloc (09022015). Collection method: clinical testing. Allele origin: germline.
Comment: This sequence change creates a premature translational stop signal (p.Thr33Hisfs*27) in the RAX2 gene. While this is not anticipated to result in nonsense mediated decay, it is expected to disrupt the last 152 amino acid(s) of the RAX2 protein. This variant is not present in population databases (gnomAD no frequency). This variant has not been reported in the literature in individuals affected with RAX2-related conditions. ClinVar contains an entry for this variant (Variation ID: 3729121). This variant disrupts a region of the RAX2 protein in which other variant(s) (p.Arg79Gln) have been determined to be pathogenic (PMID: 34662339; internal data). This suggests that this is a clinically significant region of the protein, and that variants that disrupt it are likely to be disease-causing. For these reasons, this variant has been classified as Pathogenic.

Literature cited by the submitters: PubMed 34662339.

NM_001319074.4(RAX2):c.92_95dup (p.Thr33fs)

Gene: RAX2 (retina and anterior neural fold homeobox 2; minus strand). Cytogenetic location: 19p13.3.
Variant type: Duplication.
Coding change: c.92_95dup on transcript NM_001319074.4 (MANE Select); coding-DNA positions 92 to 95, 4 bases duplicated (GCAC; older notation c.92_95dupGCAC).
Protein change: p.Thr33fs; shifts the reading frame from threonine 33.
Molecular consequence: frameshift variant.
Genome position (GRCh38, 1-based): chr19:3,771,648-3,771,651, GTGC duplicated on the plus strand (GCAC on the coding strand, the reverse complement: RAX2 is on the minus strand); duplicating any 4 consecutive bases within chr19:3,771,648-3,771,652 gives the same sequence; the c. name uses the placement nearest the transcript's 3' end. VCF-style (leftmost placement, unchanged base first): chr19-3771647-G-GGTGC. GRCh37 (hg19) VCF-style: chr19-3771645-G-GGTGC.
Other names: c.92_95dup, p.Thr33fs (NM_032753.4); short protein forms T33fs.
Identifiers: ClinVar variation 3729121 (VCV003729121.2).